The following is an entry in ClinVar:

NM_024685.4(BBS10):c.2004T>G (p.Asn668Lys)

Gene: BBS10 (Bardet-Biedl syndrome 10; minus strand). Cytogenetic location: 12q21.2.
Variant type: single nucleotide variant.
Coding change: c.2004T>G on transcript NM_024685.4 (MANE Select); coding-DNA position 2004, T replaced by G.
Protein change: p.Asn668Lys; replaces asparagine 668 with lysine.
Molecular consequence: missense variant.
Genome position (GRCh38, 1-based): chr12:76,345,981, A>C on the plus strand (T>G on the coding strand, the complement: BBS10 is on the minus strand). VCF-style: chr12-76345981-A-C. GRCh37 (hg19) VCF-style: chr12-76739761-A-C.
Other names: short protein forms N668K.
Identifiers: ClinVar variation 1038853 (VCV001038853.7), dbSNP rs778614911, ClinGen allele CA6694059.

ClinVar aggregate classification (germline): Uncertain significance. Review status: criteria provided, single submitter (1 of 4 stars). 2 submissions from 2 submitters: Uncertain significance (1). 1 of the submissions does not count toward it. Last evaluated 2021-09-01.

Conditions:
Bardet-Biedl syndrome (BBS). Identifiers: Orphanet 110, MedGen C0752166, MONDO:0015229.
Bardet-Biedl syndrome 10 (BBS10). Identifiers: Orphanet 110, MedGen C1859568, MONDO:0014438, OMIM 615987.

Allele frequency attached by ClinVar (database versions not stated): ExAC 0.00001; gnomAD exomes 0.00001.

Submissions (2):

Labcorp Genetics (formerly Invitae), Labcorp
Classification: Uncertain significance for Bardet-Biedl syndrome. Last evaluated: 2021-09-01. Review status: criteria provided, single submitter. Criteria: Invitae Variant Classification Sherloc (09022015). Collection method: clinical testing. Allele origin: germline.
Comment: This sequence change replaces asparagine with lysine at codon 668 of the BBS10 protein (p.Asn668Lys). The asparagine residue is weakly conserved and there is a moderate physicochemical difference between asparagine and lysine. This variant is present in population databases (rs778614911, ExAC 0.006%). This variant has not been reported in the literature in individuals affected with BBS10-related conditions. Algorithms developed to predict the effect of missense changes on protein structure and function output the following: SIFT: "Tolerated"; PolyPhen-2: "Benign"; Align-GVGD: "Class C0". The lysine amino acid residue is found in multiple mammalian species, which suggests that this missense change does not adversely affect protein function. In summary, the available evidence is currently insufficient to determine the role of this variant in disease. Therefore, it has been classified as a Variant of Uncertain Significance.

Natera, Inc.
Classification: Uncertain significance for Bardet-Biedl syndrome type 10. Last evaluated: 2020-08-18. Review status: no assertion criteria provided. Collection method: clinical testing. Allele origin: germline. Not counted in ClinVar's aggregate classification.